The following is an entry in ClinVar:

ClinVar aggregate classification (germline): Likely benign (1 of 4 stars; one submission).

Conditions:
Leigh syndrome (NULS). Also called: Leigh's necrotizing encephalopathy; Leigh's disease; Leigh Syndrome (mtDNA deletion); Leigh Disease; Subacute necrotizing encephalopathy; Necrotizing encephalopathy infantile subacute of Leigh. Identifiers: Orphanet 506, MedGen C2931891, MONDO:0009723, OMIM 256000.

Submission:

Wong Mito Lab, Molecular and Human Genetics, Baylor College of Medicine
Classification: Likely benign for Leigh syndrome. Last evaluated: 2019-10-17. Review status: criteria provided, single submitter. Criteria: Modified ACMG Guidelines (Unpublished). Collection method: clinical testing. Allele origin: germline.
Comment: The NC_012920.1:m.3644T>C (YP_003024026.1:p.Val113Ala) variant in MTND1 gene is interpretated to be a Likely Benign variant based on the modified ACMG guidelines (unpublished). This variant meets the following evidence codes: BS1, BS2, BP4

NC_012920.1(MT-ND1):m.3644T>C

Gene: MT-ND1 (mitochondrially encoded NADH dehydrogenase 1; plus strand).
Variant type: single nucleotide variant.
Genome position: chrM-3644-T-C.
Identifiers: ClinVar variation 692382 (VCV000692382.1), dbSNP rs878991470, ClinGen allele CA337096620.
Genomic context (GRCh38, chrMT:3,644, plus strand): 5'-ACCCCCTGGTCAACCTCAACCTAGGCCTCCTATTTATTCTAGCCACCTCTAGCCTAGCCG[T>C]TTACTCAATCCTCTGATCAGGGTGAGCATCAAACTCAAACTACGCCCTGATCGGCGCACT-3'